The following is an entry in ClinVar:

ClinVar aggregate classification (germline): Uncertain significance (1 of 4 stars; one submission).

Conditions:
Developmental delay, impaired growth, dysmorphic facies, and axonal neuropathy. Identifiers: MedGen C5436781, MONDO:0030835, OMIM 619090.

Submission:

3billion
Classification: Uncertain significance for Developmental delay, impaired growth, dysmorphic facies, and axonal neuropathy. Last evaluated: 2025-12-08. Review status: criteria provided, single submitter. Criteria: ACMG Guidelines, 2015. Collection method: clinical testing. Allele origin: germline. Affected: yes.
Comment: The variant is not observed in the gnomAD v4.1.0 dataset. Predicted Consequence/Location: Missense variant. Missense changes are a common disease-causing mechanism. Therefore, this variant is classified as VUS according to the recommendation of ACMG/AMP guideline.

NM_001303256.3(MORC2):c.1241T>C (p.Val414Ala)

Gene: MORC2 (MORC family CW-type zinc finger 2; minus strand). Cytogenetic location: 22q12.2.
Variant type: single nucleotide variant.
Coding change: c.1241T>C on transcript NM_001303256.3 (MANE Select); coding-DNA position 1241, T replaced by C.
Protein change: p.Val414Ala; replaces valine 414 with alanine.
Molecular consequence: missense variant.
Genome position (GRCh38, 1-based): chr22:30,937,943, A>G on the plus strand (T>C on the coding strand, the complement: MORC2 is on the minus strand). VCF-style: chr22-30937943-A-G. GRCh37 (hg19) VCF-style: chr22-31333930-A-G.
Other names: c.1241T>C, p.Val414Ala (NM_001303257.2); c.1055T>C, p.Val352Ala (NM_014941.3); short protein forms V352A, V414A.
Identifiers: ClinVar variation 4856182 (VCV004856182.1).